The following is an entry in ClinVar:

NM_198334.3(GANAB):c.2624+2_2624+7del

Gene: GANAB (glucosidase II alpha subunit; minus strand). Cytogenetic location: 11q12.3.
Variant type: Deletion.
Coding change: c.2624+2_2624+7del on transcript NM_198334.3 (MANE Select); the canonical splice donor site of the intron after coding-DNA position 2624 through 7 bases into the intron after coding-DNA position 2624, 6 bases deleted (TAATGG; older notation c.2624+2_2624+7delTAATGG).
Molecular consequence: splice donor variant.
Genome position (GRCh38, 1-based): chr11:62,626,328-62,626,333, CCATTA deleted on the plus strand (TAATGG on the coding strand, the reverse complement: GANAB is on the minus strand); deleting any 6 consecutive bases within chr11:62,626,328-62,626,335 gives the same sequence; the c. name uses the placement nearest the transcript's 3' end. VCF-style (leftmost placement, unchanged base first): chr11-62626327-CCCATTA-C. GRCh37 (hg19) VCF-style: chr11-62393799-CCCATTA-C.
Other names: c.2282+2_2282+7del (NM_001278193.2); c.2348+2_2348+7del (NM_001278192.2); c.2333+2_2333+7del (NM_001329223.2, NM_001278194.2, NM_001329222.2); c.1901+2_1901+7del (NM_001329225.2, NM_001329224.2); c.2690+2_2690+7del (NM_198335.4).
Identifiers: ClinVar variation 253131 (VCV000253131.3), dbSNP rs886037848, ClinGen allele CA10586210.

ClinVar aggregate classification (germline): Pathogenic. Review status: criteria provided, single submitter (1 of 4 stars). 2 submissions from 2 submitters: Pathogenic (1). 1 of the submissions does not count toward it. Last evaluated 2023-02-06.

Conditions:
POLYCYSTIC KIDNEY DISEASE 3 WITH POLYCYSTIC LIVER DISEASE.

Submissions (2):

GeneDx
Classification: Pathogenic. Last evaluated: 2023-02-06. Review status: criteria provided, single submitter. Criteria: GeneDx Variant Classification Process June 2021. Collection method: clinical testing. Allele origin: germline. Affected: yes.
Comment: Canonical splice site variant predicted to result in a null allele in a gene for which loss of function is a known mechanism of disease; Not observed at significant frequency in large population cohorts (gnomAD); This variant is associated with the following publications: (PMID: 27259053)

OMIM
Classification: Pathogenic for POLYCYSTIC KIDNEY DISEASE 3 WITH POLYCYSTIC LIVER DISEASE. Last evaluated: 2018-02-22. Review status: no assertion criteria provided. Collection method: literature only. Allele origin: germline. Not counted in ClinVar's aggregate classification.

Literature cited by the submitters: PubMed 27259053 (cited by OMIM).